The following is an entry in ClinVar:

NM_007294.4(BRCA1):c.470C>G (p.Ser157Cys)

Gene: BRCA1 (BRCA1 DNA repair associated; minus strand). Cytogenetic location: 17q21.31.
Variant type: single nucleotide variant.
Coding change: c.470C>G on transcript NM_007294.4 (MANE Select); coding-DNA position 470, C replaced by G.
Protein change: p.Ser157Cys; replaces serine 157 with cysteine.
Molecular consequence: missense variant. On other transcripts: non-coding transcript variant (1).
Genome position (GRCh38, 1-based): chr17:43,099,852, G>C on the plus strand (C>G on the coding strand, the complement: BRCA1 is on the minus strand). VCF-style: chr17-43099852-G-C. GRCh37 (hg19) VCF-style: chr17-41251869-G-C.
Other names: c.257C>G, p.Ser86Cys (NM_001407571.1, NM_001407853.1, NM_001407894.1 and 18 more transcripts); c.470C>G, p.Ser157Cys (NM_001407581.1, NM_001407582.1, NM_001407583.1 and 97 more transcripts); c.467C>G, p.Ser156Cys (NM_001407587.1, NM_001407590.1, NM_001407591.1 and 65 more transcripts); c.461C>G, p.Ser154Cys (NM_001407646.1, NM_001407647.1, NM_001408408.1); c.392C>G, p.Ser131Cys (NM_001407653.1, NM_001407654.1, NM_001407655.1 and 12 more transcripts); c.389C>G, p.Ser130Cys (NM_001407659.1, NM_001407660.1, NM_001407661.1 and 6 more transcripts); c.329C>G, p.Ser110Cys (NM_001407692.1, NM_001407694.1, NM_001407695.1 and 61 more transcripts); c.326C>G, p.Ser109Cys (NM_001407740.1, NM_001407741.1, NM_001407742.1 and 35 more transcripts); and 4 more; short protein forms S157C, S110C, S30C, S87C, S109C, S154C, S156C, S29C.
Identifiers: ClinVar variation 55266 (VCV000055266.25), dbSNP rs80357045, ClinGen allele CA002987.

ClinVar aggregate classification (germline): Uncertain significance. Review status: criteria provided, multiple submitters, no conflicts (2 of 4 stars). 11 submissions from 11 submitters: Uncertain significance (9). 2 of the submissions do not count toward it. Last evaluated 2025-10-24.

Conditions:
Hereditary cancer-predisposing syndrome. Also called: Hereditary Cancer Syndrome; Hereditary neoplastic syndrome; Neoplastic Syndromes, Hereditary; Tumor predisposition. Identifiers: Orphanet 140162, MedGen C0027672, MeSH D009386, MONDO:0015356.
Breast-ovarian cancer, familial, susceptibility to, 1 (BROVCA1). Also called: BRCA1 Hereditary Breast and Ovarian Cancer; OVARIAN CANCER, SUSCEPTIBILITY TO. Identifiers: Orphanet 145, MedGen C2676676, MONDO:0011450, OMIM 604370. Disease mechanism: loss of function.
BRCA1-related cancer predisposition. Identifiers: MedGen CN377757, MONDO:0700268.
Hereditary breast ovarian cancer syndrome. Also called: BRCA1- and BRCA2-Associated Hereditary Breast and Ovarian Cancer; Hereditary breast and ovarian cancer syndrome; Hereditary breast and ovarian cancer syndrome (HBOC); Breast and ovarian cancer; Hereditary breast and/or ovarian cancer syndrome; Hereditary breast and ovarian cancer. Identifiers: Orphanet 145, MedGen C0677776, MeSH D061325, MONDO:0003582. Disease mechanism: loss of function.

Allele frequency attached by ClinVar (database versions not stated): TOPMed below 0.00001; gnomAD 0.00001; gnomAD exomes 0.00001.
gnomAD v4.1: 10 of 1,613,540 alleles (0.00062%); highest among the groups gnomAD compares: Non-Finnish European, 0.00085%; no homozygotes.

Submissions (11):

Women's Health and Genetics/Laboratory Corporation of America, LabCorp
Classification: Uncertain significance. Last evaluated: 2025-10-24. Review status: criteria provided, single submitter. Criteria: LabCorp Variant Classification Summary - May 2015. Collection method: clinical testing. Allele origin: germline.
Comment: Variant summary: BRCA1 c.470C>G (p.Ser157Cys) results in a non-conservative amino acid change in the encoded protein sequence. The variant was absent in 251450 control chromosomes. The available data on variant occurrences in the general population are insufficient to allow any conclusion about variant significance. c.470C>G has been observed in individual(s) affected withHereditary Breast And Ovarian Cancer Syndrome without strong evidence for causality (Judkins_2005). These reports do not provide unequivocal conclusions about association of the variant with Hereditary Breast And Ovarian Cancer Syndrome. Co-occurrences with another pathogenic variant have been reported (BRCA1 c.4603G>T, p.Glu1535Ter; BIC), providing supporting evidence for a benign role. To our knowledge, no experimental evidence demonstrating an impact on protein function has been reported. The following publications have been ascertained in the context of this evaluation (PMID: 16267036, 15385441). ClinVar contains an entry for this variant (Variation ID: 55266). Based on the evidence outlined above, the variant was classified as uncertain significance.

Labcorp Genetics (formerly Invitae), Labcorp
Classification: Uncertain significance for Hereditary breast ovarian cancer syndrome. Last evaluated: 2024-12-31. Review status: criteria provided, single submitter. Criteria: Invitae Variant Classification Sherloc (09022015). Collection method: clinical testing. Allele origin: germline.
Comment: This sequence change replaces serine, which is neutral and polar, with cysteine, which is neutral and slightly polar, at codon 157 of the BRCA1 protein (p.Ser157Cys). This variant is not present in population databases (gnomAD no frequency). This variant has not been reported in the literature in individuals affected with BRCA1-related conditions. ClinVar contains an entry for this variant (Variation ID: 55266). Invitae Evidence Modeling of protein sequence and biophysical properties (such as structural, functional, and spatial information, amino acid conservation, physicochemical variation, residue mobility, and thermodynamic stability) indicates that this missense variant is not expected to disrupt BRCA1 protein function with a negative predictive value of 80%. In summary, the available evidence is currently insufficient to determine the role of this variant in disease. Therefore, it has been classified as a Variant of Uncertain Significance.

Quest Diagnostics Nichols Institute San Juan Capistrano
Classification: Uncertain significance. Last evaluated: 2024-12-13. Review status: criteria provided, single submitter. Criteria: Quest Diagnostics criteria. Collection method: clinical testing. Allele origin: unknown.
Comment: The BRCA1 c.470C>G (p.Ser157Cys) variant has been reported in the published literature in individuals with breast cancer (PMID: 16267036 (2005), 33471991 (2021)), see also LOVD). The frequency of this variant in the general population (Genome Aggregation Database) is uninformative in the assessment of its pathogenicity. Analysis of this variant using bioinformatics tools for the prediction of the effect of amino acid changes on protein structure and function yielded conflicting predictions that this variant is benign or damaging. Based on the available information, we are unable to determine the clinical significance of this variant.

GeneDx
Classification: Uncertain significance. Last evaluated: 2024-08-27. Review status: criteria provided, single submitter. Criteria: GeneDx Variant Classification Process June 2021. Collection method: clinical testing. Allele origin: germline. Affected: yes.
Comment: Observed in individuals with breast cancer (PMID: 33471991); In silico analysis supports that this missense variant has a deleterious effect on protein structure/function; Not observed at significant frequency in large population cohorts (gnomAD); Also known as 589C>G; This variant is associated with the following publications: (PMID: 10923033, 16267036, 20215511, 33471991)

Ambry Genetics
Classification: Uncertain significance for Hereditary cancer-predisposing syndrome. Last evaluated: 2024-07-05. Review status: criteria provided, single submitter. Criteria: Ambry Variant Classification Scheme 2023. Collection method: clinical testing. Allele origin: germline.
Comment: The p.S157C variant (also known as c.470C>G), located in coding exon 6 of the BRCA1 gene, results from a C to G substitution at nucleotide position 470. The serine at codon 157 is replaced by cysteine, an amino acid with dissimilar properties. This variant was reported in 3/60,466 breast cancer cases and in 0/53,461 controls (Dorling et al. N Engl J Med. 2021 02;384:428-439). This amino acid position is well conserved in available vertebrate species. In addition, this alteration is predicted to be deleterious by in silico analysis. Based on the available evidence, the clinical significance of this variant remains unclear.

Color Diagnostics, LLC DBA Color Health
Classification: Uncertain significance for Hereditary cancer-predisposing syndrome. Last evaluated: 2024-07-01. Review status: criteria provided, single submitter. Criteria: ACMG Guidelines, 2015. Collection method: clinical testing. Allele origin: germline.
Comment: This missense variant replaces serine with cysteine at codon 157 of the BRCA1 protein. Computational prediction is inconclusive regarding the impact of this variant on protein structure and function. To our knowledge, functional studies have not been reported for this variant. This variant has been detected in a breast cancer case-control meta-analysis in 3/60466 cases and 0/53461 unaffected individuals (PMID: 33471991; Leiden Open Variation Database DB-ID BRCA1_006046). This variant has not been identified in the general population by the Genome Aggregation Database (gnomAD). The available evidence is insufficient to determine the role of this variant in disease conclusively. Therefore, this variant is classified as a Variant of Uncertain Significance.

All of Us Research Program, National Institutes of Health
Classification: Uncertain significance for BRCA1-related cancer predisposition. Last evaluated: 2024-05-07. Review status: criteria provided, single submitter. Criteria: ACMG Guidelines, 2015. Collection method: clinical testing. Allele origin: germline. Inheritance: Autosomal dominant inheritance. Observed: 1 variant allele, 1 heterozygote.
Comment: This missense variant replaces serine with cysteine at codon 157 of the BRCA1 protein. Computational prediction is inconclusive regarding the impact of this variant on protein structure and function (internally defined REVEL score threshold 0.5 < inconclusive < 0.7, PMID: 27666373). To our knowledge, functional studies have not been reported for this variant. This variant has not been reported in individuals affected with hereditary cancer in the literature. This variant has not been identified in the general population by the Genome Aggregation Database (gnomAD). The available evidence is insufficient to determine the role of this variant in disease conclusively. Therefore, this variant is classified as a Variant of Uncertain Significance.

This study involves interpretation of variants in research participants for the purpose of population health screening. Participant phenotype was not available at the time of variant classification. Additional details can be found in publication PMID: 35346344, PMCID: PMC8962531

Baylor Genetics
Classification: Uncertain significance for Breast-ovarian cancer, familial, susceptibility to, 1. Last evaluated: 2023-06-06. Review status: criteria provided, single submitter. Criteria: ACMG Guidelines, 2015. Collection method: clinical testing. Allele origin: unknown.

St. Jude Molecular Pathology, St. Jude Children's Research Hospital
Classification: Uncertain significance for Breast-ovarian cancer, familial, susceptibility to, 1. Last evaluated: 2022-12-20. Review status: criteria provided, single submitter. Criteria: St. Jude Assertion Criteria 2020. Collection method: clinical testing. Allele origin: germline.
Comment: The BRCA1 c.470C>G (p.Ser157Cys) missense change is absent in gnomAD v2.1.1. The in silico tool REVEL is inconclusive about a pathogenic or benign effect of this variant on protein function, and to our knowledge functional studies have not been performed. This variant has been reported in 3 of 60,466 individuals with breast cancer and was not found in 53,461 controls (PMID: 33471991). This variant is absent in the FLOSSIES database which contains genetic variants from women older than 70 years of age who have never had cancer. To our knowledge, this variant has not been reported in individuals with hereditary breast and ovarian cancer or Fanconi anemia. In summary, the evidence currently available is insufficient to determine the clinical significance of this variant. It has therefore been classified as of uncertain significance.?

Counsyl
Classification: Uncertain significance for Breast-ovarian cancer, familial, susceptibility to, 1. Last evaluated: 2017-11-27. Review status: no assertion criteria provided. Collection method: clinical testing. Allele origin: unknown. Not counted in ClinVar's aggregate classification.

Breast Cancer Information Core (BIC) (BRCA1)
Classification: Uncertain significance for Breast-ovarian cancer, familial 1. Last evaluated: 2004-02-20. Review status: no assertion criteria provided. Collection method: clinical testing. Allele origin: germline. Affected: yes. Observed: 1 variant allele. Not counted in ClinVar's aggregate classification.

Literature cited by the submitters: PubMed 16267036 (cited by Women's Health and Genetics/Laboratory Corporation of America, LabCorp and Quest Diagnostics Nichols Institute San Juan Capistrano); PubMed 15385441 (cited by Women's Health and Genetics/Laboratory Corporation of America, LabCorp); PubMed 33471991 (cited by 3 submitters); PubMed 26295337 (cited by Quest Diagnostics Nichols Institute San Juan Capistrano).